The following is an entry in ClinVar:

ClinVar aggregate classification (germline): Uncertain significance. Review status: criteria provided, multiple submitters, no conflicts (2 of 4 stars). 2 submissions from 2 submitters: Uncertain significance (2). Last evaluated 2026-02-19.

Conditions:
Hereditary pheochromocytoma and paraganglioma. Also called: Hereditary pheochromocytoma-paraganglioma; Hereditary Paraganglioma-Pheochromocytoma Syndromes; Hereditary paragangliomas and pheochromocytomas. Identifiers: Orphanet 29072, MedGen C4274332, MONDO:0017366.
Hereditary cancer-predisposing syndrome. Also called: Tumor predisposition; Neoplastic Syndromes, Hereditary; Hereditary neoplastic syndrome; Hereditary Cancer Syndrome. Identifiers: Orphanet 140162, MedGen C0027672, MeSH D009386, MONDO:0015356.

Submissions (2):

Ambry Genetics
Classification: Uncertain significance for Hereditary cancer-predisposing syndrome. Last evaluated: 2026-02-19. Review status: criteria provided, single submitter. Criteria: Ambry Variant Classification Scheme 2023. Collection method: clinical testing. Allele origin: germline.
Comment: The p.E133Q variant (also known as c.397G>C), located in coding exon 4 of the SDHAF2 gene, results from a G to C substitution at nucleotide position 397. The glutamic acid at codon 133 is replaced by glutamine, an amino acid with highly similar properties. This amino acid position is conserved. In addition, this alteration is predicted to be tolerated by in silico analysis. Based on the available evidence, the clinical significance of this variant remains unclear.

Labcorp Genetics (formerly Invitae), Labcorp
Classification: Uncertain significance for Hereditary pheochromocytoma and paraganglioma. Last evaluated: 2025-08-31. Review status: criteria provided, single submitter. Criteria: Invitae Variant Classification Sherloc (09022015). Collection method: clinical testing. Allele origin: germline.
Comment: This sequence change replaces glutamic acid, which is acidic and polar, with glutamine, which is neutral and polar, at codon 133 of the SDHAF2 protein (p.Glu133Gln). This variant is not present in population databases (gnomAD no frequency). This variant has not been reported in the literature in individuals affected with SDHAF2-related conditions. An algorithm developed to predict the effect of missense changes on protein structure and function (PolyPhen-2) suggests that this variant is likely to be tolerated. In summary, the available evidence is currently insufficient to determine the role of this variant in disease. Therefore, it has been classified as a Variant of Uncertain Significance.

NM_017841.4(SDHAF2):c.397G>C (p.Glu133Gln)

Gene: SDHAF2 (succinate dehydrogenase complex assembly factor 2; plus strand). Cytogenetic location: 11q12.2.
Variant type: single nucleotide variant.
Coding change: c.397G>C on transcript NM_017841.4 (MANE Select); coding-DNA position 397, G replaced by C.
Protein change: p.Glu133Gln; replaces glutamic acid 133 with glutamine.
Molecular consequence: missense variant.
Genome position (GRCh38, 1-based): chr11:61,445,967, G>C. VCF-style: chr11-61445967-G-C. GRCh37 (hg19) VCF-style: chr11-61213439-G-C.
Other names: short protein forms E133Q.
Identifiers: ClinVar variation 4696474 (VCV004696474.2).